The following is an entry in ClinVar:

ClinVar aggregate classification (germline): Uncertain significance (1 of 4 stars; one submission).

Allele frequency attached by ClinVar (database versions not stated): gnomAD exomes below 0.00001; ExAC 0.00001; gnomAD 0.00002; TOPMed 0.00002.
gnomAD v4.1: 7 of 1,614,006 alleles (0.00043%); highest among the groups gnomAD compares: Admixed American, 0.0067%; no homozygotes.

Submission:

Labcorp Genetics (formerly Invitae), Labcorp
Classification: Uncertain significance. Last evaluated: 2022-08-08. Review status: criteria provided, single submitter. Criteria: Invitae Variant Classification Sherloc (09022015). Collection method: clinical testing. Allele origin: germline.
Comment: The frequency data for this variant in the population databases is considered unreliable, as metrics indicate poor data quality at this position in the gnomAD database. This sequence change replaces proline, which is neutral and non-polar, with leucine, which is neutral and non-polar, at codon 2678 of the LRP2 protein (p.Pro2678Leu). This variant has not been reported in the literature in individuals affected with LRP2-related conditions. In summary, the available evidence is currently insufficient to determine the role of this variant in disease. Therefore, it has been classified as a Variant of Uncertain Significance. Advanced modeling of protein sequence and biophysical properties (such as structural, functional, and spatial information, amino acid conservation, physicochemical variation, residue mobility, and thermodynamic stability) performed at Invitae indicates that this missense variant is expected to disrupt LRP2 protein function.

NM_004525.3(LRP2):c.8033C>T (p.Pro2678Leu)

Gene: LRP2 (LDL receptor related protein 2; minus strand). Cytogenetic location: 2q31.1.
Variant type: single nucleotide variant.
Coding change: c.8033C>T on transcript NM_004525.3 (MANE Select); coding-DNA position 8033, C replaced by T.
Protein change: p.Pro2678Leu; replaces proline 2678 with leucine.
Molecular consequence: missense variant.
Genome position (GRCh38, 1-based): chr2:169,202,932, G>A on the plus strand (C>T on the coding strand, the complement: LRP2 is on the minus strand). VCF-style: chr2-169202932-G-A. GRCh37 (hg19) VCF-style: chr2-170059442-G-A.
Other names: short protein forms P2678L.
Identifiers: ClinVar variation 1968639 (VCV001968639.5), dbSNP rs773366780, ClinGen allele CA1953947.
Genomic context (GRCh38, chr2:169,202,932, plus strand): 5'-TCACCATTGTCCACAATGCAGTGCTTCCTGTTGTTGGCCAAATACCAGTTGCCCTCATGT[G>A]GACACTGGCACTCGGCACCATTTGGACCTGAAGAAAGATAATCCCAGAAGAAGTAAAAGA-3'
Protein context (NP_004516.2, residues 2668-2688): PGPNGAECQC[Pro2678Leu]HEGNWYLANN